The following is an entry in ClinVar:

ClinVar aggregate classification (germline): Likely benign. Review status: criteria provided, multiple submitters, no conflicts (2 of 4 stars). 3 submissions from 3 submitters: Likely benign (3). Last evaluated 2026-09-01.

Conditions:
Cardiovascular phenotype. Identifiers: MedGen CN230736.
Brugada syndrome. Also called: Sudden unexplained nocturnal death syndrome; Sudden Unexplained Death Syndrome; Sudden Unexplained Nocturnal Death Syndrome (SUNDS); Sudden unexpected nocturnal death syndrome. Identifiers: Orphanet 130, MedGen C1142166, MONDO:0015263.

Allele frequency attached by ClinVar (database versions not stated): gnomAD 0.00001; gnomAD exomes 0.00002 and 0.00003; ExAC 0.00003; TOPMed 0.00003.
gnomAD v4.1: 26 of 1,606,710 alleles (0.0016%); highest among the groups gnomAD compares: Middle Eastern, 0.017%; no homozygotes.

Submissions (3):

CeGaT Center for Human Genetics Tuebingen
Classification: Likely benign. Last evaluated: 2026-09-01. Review status: criteria provided, single submitter. Criteria: CeGaT Center For Human Genetics Tuebingen Variant Classification Criteria Version 2. Collection method: clinical testing. Allele origin: germline. Affected: yes. Observed: 1 variant allele.
Comment: CACNA2D1: BP4, BP7

Labcorp Genetics (formerly Invitae), Labcorp
Classification: Likely benign for Brugada syndrome. Last evaluated: 2023-11-27. Review status: criteria provided, single submitter. Criteria: Invitae Variant Classification Sherloc (09022015). Collection method: clinical testing. Allele origin: germline.

Ambry Genetics
Classification: Likely benign for Cardiovascular phenotype. Last evaluated: 2022-02-08. Review status: criteria provided, single submitter. Criteria: Ambry Variant Classification Scheme 2023. Collection method: clinical testing. Allele origin: germline.

NM_000722.4(CACNA2D1):c.45A>G (p.Gln15=)

Gene: CACNA2D1 (calcium voltage-gated channel auxiliary subunit alpha2delta 1; minus strand). Cytogenetic location: 7q21.11.
Variant type: single nucleotide variant.
Coding change: c.45A>G on transcript NM_000722.4 (MANE Select); coding-DNA position 45, A replaced by G.
Protein change: p.Gln15=; no amino-acid change (glutamine 15 retained).
Molecular consequence: synonymous variant.
Genome position (GRCh38, 1-based): chr7:82,443,415, T>C on the plus strand (A>G on the coding strand, the complement: CACNA2D1 is on the minus strand). VCF-style: chr7-82443415-T-C. GRCh37 (hg19) VCF-style: chr7-82072731-T-C.
Other names: c.45A>G, p.Gln15= (NM_001302890.2, NM_001366867.1).
Identifiers: ClinVar variation 463226 (VCV000463226.11), dbSNP rs771243374, ClinGen allele CA4318510.